The following is an entry in ClinVar:

NM_001846.4(COL4A2):c.2626G>A (p.Ala876Thr)

Gene: COL4A2 (collagen type IV alpha 2 chain; plus strand). Cytogenetic location: 13q34.
Variant type: single nucleotide variant.
Coding change: c.2626G>A on transcript NM_001846.4 (MANE Select); coding-DNA position 2626, G replaced by A.
Protein change: p.Ala876Thr; replaces alanine 876 with threonine.
Molecular consequence: missense variant.
Genome position (GRCh38, 1-based): chr13:110,480,258, G>A. VCF-style: chr13-110480258-G-A. GRCh37 (hg19) VCF-style: chr13-111132605-G-A.
Other names: short protein forms A876T.
Identifiers: ClinVar variation 1922221 (VCV001922221.5), dbSNP rs779357792, ClinGen allele CA7049967.

ClinVar aggregate classification (germline): Uncertain significance (1 of 4 stars; one submission).

Allele frequency attached by ClinVar (database versions not stated): TOPMed below 0.00001; ExAC 0.00001.
gnomAD v4.1: 13 of 1,612,266 alleles (0.00081%); highest among the groups gnomAD compares: East Asian, 0.0022%; no homozygotes.

Submission:

Labcorp Genetics (formerly Invitae), Labcorp
Classification: Uncertain significance. Last evaluated: 2023-08-04. Review status: criteria provided, single submitter. Criteria: Invitae Variant Classification Sherloc (09022015). Collection method: clinical testing. Allele origin: germline.
Comment: This variant is present in population databases (rs779357792, gnomAD 0.006%). This variant has not been reported in the literature in individuals affected with COL4A2-related conditions. ClinVar contains an entry for this variant (Variation ID: 1922221). Advanced modeling of protein sequence and biophysical properties (such as structural, functional, and spatial information, amino acid conservation, physicochemical variation, residue mobility, and thermodynamic stability) performed at Invitae indicates that this missense variant is not expected to disrupt COL4A2 protein function. In summary, the available evidence is currently insufficient to determine the role of this variant in disease. Therefore, it has been classified as a Variant of Uncertain Significance. This sequence change replaces alanine, which is neutral and non-polar, with threonine, which is neutral and polar, at codon 876 of the COL4A2 protein (p.Ala876Thr).